The following is an entry in ClinVar:

ClinVar aggregate classification (germline): Uncertain significance (1 of 4 stars; one submission).

Allele frequency attached by ClinVar (database versions not stated): gnomAD exomes below 0.00001; gnomAD 0.00002; TOPMed 0.00002.
gnomAD v4.1: 7 of 1,613,992 alleles (0.00043%); highest among the groups gnomAD compares: African/African-American, 0.0067%; no homozygotes.

Submission:

Labcorp Genetics (formerly Invitae), Labcorp
Classification: Uncertain significance. Last evaluated: 2022-10-31. Review status: criteria provided, single submitter. Criteria: Invitae Variant Classification Sherloc (09022015). Collection method: clinical testing. Allele origin: germline.
Comment: Advanced modeling of protein sequence and biophysical properties (such as structural, functional, and spatial information, amino acid conservation, physicochemical variation, residue mobility, and thermodynamic stability) performed at Invitae indicates that this missense variant is not expected to disrupt FLNB protein function. This sequence change replaces proline, which is neutral and non-polar, with serine, which is neutral and polar, at codon 750 of the FLNB protein (p.Pro750Ser). This variant is not present in population databases (gnomAD no frequency). This variant has not been reported in the literature in individuals affected with FLNB-related conditions. In summary, the available evidence is currently insufficient to determine the role of this variant in disease. Therefore, it has been classified as a Variant of Uncertain Significance.

NM_001457.4(FLNB):c.2248C>T (p.Pro750Ser)

Gene: FLNB (filamin B; plus strand). Cytogenetic location: 3p14.3.
Variant type: single nucleotide variant.
Coding change: c.2248C>T on transcript NM_001457.4 (MANE Select); coding-DNA position 2248, C replaced by T.
Protein change: p.Pro750Ser; replaces proline 750 with serine.
Molecular consequence: missense variant.
Genome position (GRCh38, 1-based): chr3:58,109,624, C>T. VCF-style: chr3-58109624-C-T. GRCh37 (hg19) VCF-style: chr3-58095351-C-T.
Other names: c.2248C>T, p.Pro750Ser (NM_001164317.2, NM_001164318.2, NM_001164319.2); short protein forms P750S.
Identifiers: ClinVar variation 2956452 (VCV002956452.3), dbSNP rs891939941, ClinGen allele CA75434940.